The following is an entry in ClinVar:

NC_000004.11:g.(?_80822299)_(80828622_80898774)dup

Gene: ANTXR2 (ANTXR cell adhesion molecule 2; minus strand). Cytogenetic location: 4q21.21.
Variant type: Duplication.
Identifiers: ClinVar variation 3366563 (VCV003366563.1).

ClinVar aggregate classification (germline): Uncertain significance (1 of 4 stars; one submission).

Submission:

Women's Health and Genetics/Laboratory Corporation of America, LabCorp
Classification: Uncertain significance. Last evaluated: 2024-08-27. Review status: criteria provided, single submitter. Criteria: LabCorp Variant Classification Summary - May 2015. Collection method: clinical testing. Allele origin: germline.
Comment: Variant summary: The variant involves the duplication of exon 17 in the ANTXR2 gene. A presumed nomenclature of c.(1428+1_1429-1)_(*6284_?)dup has been designated for the purposes of this classification. The exact breakpoint at the 3' end of this variant is unknown, therefore this duplication may extend downstream of the annotated region of the gene. As it duplicates the termination codon, its effect on the encoded protein is unknown. The variant was absent in 21668 control chromosomes. The available data on variant occurrences in the general population are insufficient to allow any conclusion about variant significance. To our knowledge, no occurrence of c.(1428+1_1429-1)_(*6284_?)dup in individuals affected with Hyaline Fibromatosis Syndrome and no experimental evidence demonstrating its impact on protein function have been reported. No submitters have cited clinical-significance assessments for this variant to ClinVar. Based on the evidence outlined above, the variant was classified as uncertain significance.